The following is an entry in ClinVar:

NM_033087.4(ALG2):c.760T>G (p.Leu254Val)

Gene: ALG2 (ALG2 alpha-1,3/1,6-mannosyltransferase; minus strand). Cytogenetic location: 9q22.33.
Variant type: single nucleotide variant.
Coding change: c.760T>G on transcript NM_033087.4 (MANE Select); coding-DNA position 760, T replaced by G.
Protein change: p.Leu254Val; replaces leucine 254 with valine.
Molecular consequence: missense variant. On other transcripts: non-coding transcript variant (1).
Genome position (GRCh38, 1-based): chr9:99,218,425, A>C on the plus strand (T>G on the coding strand, the complement: ALG2 is on the minus strand). VCF-style: chr9-99218425-A-C. GRCh37 (hg19) VCF-style: chr9-101980707-A-C.
Other names: short protein forms L254V.
Identifiers: ClinVar variation 941824 (VCV000941824.8), dbSNP rs62562374, ClinGen allele CA5156257.
Genomic context (GRCh38, chr9:99,218,425, plus strand): 5'-CTCTCTCGTCATAACCACCTGCCACGATCAGATGAACCCTCTCCCAATCTTGGGATGTCA[A>C]TCTTCCACGCAGCTGTACTAGGGCTTCCAGTGCCAAAGTCAGATTTTTCTTCCTTTCGTA-3'
Protein context (NP_149078.1, residues 244-264): LEALVQLRGR[Leu254Val]TSQDWERVHL

ClinVar aggregate classification (germline): Uncertain significance (1 of 4 stars; one submission).

Conditions:
Congenital myasthenic syndrome 14. Also called: Myasthenic syndrome, congenital, 14, with tubular aggregates. Identifiers: Orphanet 353327, Orphanet 590, MedGen C4015597, MONDO:0014543, OMIM 616228.
Congenital disorder of glycosylation, type Ii. Also called: CDG Ii; ALG2-congenital disorder of glycosylation; ALG2-CDG. Identifiers: Orphanet 79326, MedGen C1842836, MONDO:0011933, OMIM 607906.

Allele frequency attached by ClinVar (database versions not stated): TOPMed 0.00010; 1000 Genomes Project 30x 0.00031.

Submission:

Labcorp Genetics (formerly Invitae), Labcorp
Classification: Uncertain significance for Congenital disorder of glycosylation, type Ii; Congenital myasthenic syndrome 14. Last evaluated: 2025-10-23. Review status: criteria provided, single submitter. Criteria: Invitae Variant Classification Sherloc (09022015). Collection method: clinical testing. Allele origin: germline.
Comment: This sequence change replaces leucine, which is neutral and non-polar, with valine, which is neutral and non-polar, at codon 254 of the ALG2 protein (p.Leu254Val). This variant is present in population databases (rs62562374, gnomAD 0.03%). This variant has not been reported in the literature in individuals affected with ALG2-related conditions. ClinVar contains an entry for this variant (Variation ID: 941824). An algorithm developed to predict the effect of missense changes on protein structure and function (PolyPhen-2) suggests that this variant is likely to be tolerated. In summary, the available evidence is currently insufficient to determine the role of this variant in disease. Therefore, it has been classified as a Variant of Uncertain Significance.